The following is an entry in ClinVar:

ClinVar aggregate classification (germline): Uncertain significance. Review status: criteria provided, multiple submitters, no conflicts (2 of 4 stars). 3 submissions from 3 submitters: Uncertain significance (3). Last evaluated 2026-01-18.

Conditions:
Supravalvar aortic stenosis (SVAS). Also called: Supravalvar aortic stenosis, Eisenberg type. Identifiers: Orphanet 3193, MedGen C0003499, MONDO:0008504, OMIM 185500, HP:0004381.

Allele frequency attached by ClinVar (database versions not stated): ExAC 0.00001; gnomAD exomes 0.00002; gnomAD 0.00003 and 0.00004; TOPMed 0.00003; ESP Exome Variant Server 0.00008.
gnomAD v4.1: 33 of 1,613,928 alleles (0.002%); highest among the groups gnomAD compares: Non-Finnish European, 0.0026%; no homozygotes.

Submissions (3):

Labcorp Genetics (formerly Invitae), Labcorp
Classification: Uncertain significance for Supravalvar aortic stenosis. Last evaluated: 2026-01-18. Review status: criteria provided, single submitter. Criteria: Invitae Variant Classification Sherloc (09022015). Collection method: clinical testing. Allele origin: germline.
Comment: This sequence change affects codon 180 of the ELN mRNA. It is a 'silent' change, meaning that it does not change the encoded amino acid sequence of the ELN protein. This variant is present in population databases (rs145778002, gnomAD 0.002%). This variant has not been reported in the literature in individuals affected with ELN-related conditions. ClinVar contains an entry for this variant (Variation ID: 1023961). Algorithms developed to predict the effect of sequence changes on RNA splicing suggest that this variant may disrupt the consensus splice site. In summary, the available evidence is currently insufficient to determine the role of this variant in disease. Therefore, it has been classified as a Variant of Uncertain Significance.

Blueprint Genetics
Classification: Uncertain significance. Last evaluated: 2024-04-08. Review status: criteria provided, single submitter. Criteria: ACMG Guidelines, 2015. Collection method: clinical testing. Allele origin: germline.

GeneDx
Classification: Uncertain significance. Last evaluated: 2023-12-07. Review status: criteria provided, single submitter. Criteria: GeneDx Variant Classification Process June 2021. Collection method: clinical testing. Allele origin: germline. Affected: yes.
Comment: Has not been previously published as pathogenic or benign to our knowledge; Not observed at significant frequency in large population cohorts (gnomAD); In silico analysis is inconclusive as to whether the variant alters gene splicing. In the absence of RNA/functional studies, the actual effect of this sequence change is unknown.

NM_000501.4(ELN):c.540A>C (p.Pro180=)

Gene: ELN (elastin; plus strand). Cytogenetic location: 7q11.23.
Variant type: single nucleotide variant.
Coding change: c.540A>C on transcript NM_000501.4 (MANE Select); coding-DNA position 540, A replaced by C.
Protein change: p.Pro180=; no amino-acid change (proline 180 retained).
Molecular consequence: synonymous variant. On other transcripts: intron variant (1).
Genome position (GRCh38, 1-based): chr7:74,045,292, A>C. VCF-style: chr7-74045292-A-C. GRCh37 (hg19) VCF-style: chr7-73459622-A-C.
Other names: c.510A>C, p.Pro170= (NM_001081752.3, NM_001278917.2); c.555A>C, p.Pro185= (NM_001081753.3, NM_001081754.3); c.540A>C, p.Pro180= (NM_001081755.3, NM_001278912.2, NM_001278915.2 and 2 more transcripts); c.504A>C, p.Pro168= (NM_001278913.2); c.525A>C, p.Pro175= (NM_001278914.2); c.439+1372A>C (NM_001278918.2).
Identifiers: ClinVar variation 1023961 (VCV001023961.10), dbSNP rs145778002, ClinGen allele CA4292533.